The following is an entry in ClinVar:

ClinVar aggregate classification (germline): Uncertain significance. Review status: criteria provided, multiple submitters, no conflicts (2 of 4 stars). 2 submissions from 2 submitters: Uncertain significance (2). Last evaluated 2025-10-26.

Conditions:
Amyotrophic lateral sclerosis type 21. Also called: VOCAL CORD AND PHARYNGEAL DYSFUNCTION WITH DISTAL MYOPATHY; MYOPATHY, DISTAL, 2. Identifiers: Orphanet 600, Orphanet 803, MedGen C3807521, MONDO:0011632, OMIM 606070.

gnomAD v4.1: 2 of 1,613,632 alleles (0.00012%); highest among the groups gnomAD compares: African/African-American, 0.0013%; no homozygotes.

Submissions (2):

Labcorp Genetics (formerly Invitae), Labcorp
Classification: Uncertain significance for Amyotrophic lateral sclerosis type 21. Last evaluated: 2025-10-26. Review status: criteria provided, single submitter. Criteria: Invitae Variant Classification Sherloc (09022015). Collection method: clinical testing. Allele origin: germline.
Comment: This sequence change replaces arginine, which is basic and polar, with leucine, which is neutral and non-polar, at codon 317 of the MATR3 protein (p.Arg317Leu). This variant is present in population databases (no rsID available, gnomAD 0.007%). This variant has not been reported in the literature in individuals affected with MATR3-related conditions. ClinVar contains an entry for this variant (Variation ID: 3602894). Invitae Evidence Modeling of protein sequence and biophysical properties (such as structural, functional, and spatial information, amino acid conservation, physicochemical variation, residue mobility, and thermodynamic stability) has been performed for this missense variant. However, the output from this modeling did not meet the statistical confidence thresholds required to predict the impact of this variant on MATR3 protein function. In summary, the available evidence is currently insufficient to determine the role of this variant in disease. Therefore, it has been classified as a Variant of Uncertain Significance.

GeneDx
Classification: Uncertain significance. Last evaluated: 2024-08-09. Review status: criteria provided, single submitter. Criteria: GeneDx Variant Classification Process June 2021. Collection method: clinical testing. Allele origin: germline. Affected: yes.
Comment: In silico analysis supports that this missense variant has a deleterious effect on protein structure/function; Has not been previously published as pathogenic or benign to our knowledge

NM_018834.6(MATR3):c.950G>T (p.Arg317Leu)

Gene: MATR3 (matrin 3; plus strand). Cytogenetic location: 5q31.2.
Variant type: single nucleotide variant.
Coding change: c.950G>T on transcript NM_018834.6 (MANE Select); coding-DNA position 950, G replaced by T.
Protein change: p.Arg317Leu; replaces arginine 317 with leucine.
Molecular consequence: missense variant. On other transcripts: 5 prime UTR variant (6), intron variant (2).
Genome position (GRCh38, 1-based): chr5:139,314,712, G>T. VCF-style: chr5-139314712-G-T. GRCh37 (hg19) VCF-style: chr5-138650401-G-T.
Other names: c.950G>T, p.Arg317Leu (NM_001194954.2, NM_001194955.2, NM_001400441.1 and 16 more transcripts); c.86G>T, p.Arg29Leu (NM_001194956.2); c.-65G>T (NM_001282278.2, NM_001400460.1, NM_001400463.1 and 3 more transcripts); c.89G>T, p.Arg30Leu (NM_001400459.1); c.50G>T, p.Arg17Leu (NM_001400461.1); c.-40-985G>T (NM_001400462.1, NM_001400467.1); short protein forms R17L, R29L, R30L, R317L.
Identifiers: ClinVar variation 3602894 (VCV003602894.2).
Genomic context (GRCh38, chr5:139,314,712, plus strand): 5'-TCTACTAATTTACTTTGCTGCAGGAGTGGAGTCAACATATCAATGGAGCAAGTCACAGTC[G>T]TCGATGCCAGCTTCTTCTTGAAATGTAGGAGTTTGAAATACCTTTAAAACATCCTTATCG-3'
Protein context (NP_061322.2, residues 307-327): SQHINGASHS[Arg317Leu]RCQLLLEIYP